The following is an entry in ClinVar:

ClinVar aggregate classification (germline): Uncertain significance (1 of 4 stars; one submission).

Submission:

GeneDx
Classification: Uncertain significance. Last evaluated: 2022-04-29. Review status: criteria provided, single submitter. Criteria: GeneDx Variant Classification Process June 2021. Collection method: clinical testing. Allele origin: germline. Affected: yes.
Comment: Not observed at significant frequency in large population cohorts (gnomAD); In silico analysis supports that this missense variant has a deleterious effect on protein structure/function; Has not been previously published as pathogenic or benign to our knowledge

NM_014727.3(KMT2B):c.6467C>G (p.Pro2156Arg)

Gene: KMT2B (lysine methyltransferase 2B; plus strand). Cytogenetic location: 19q13.12.
Variant type: single nucleotide variant.
Coding change: c.6467C>G on transcript NM_014727.3 (MANE Select); coding-DNA position 6467, C replaced by G.
Protein change: p.Pro2156Arg; replaces proline 2156 with arginine.
Molecular consequence: missense variant.
Genome position (GRCh38, 1-based): chr19:35,733,016, C>G. VCF-style: chr19-35733016-C-G. GRCh37 (hg19) VCF-style: chr19-36223917-C-G.
Other names: short protein forms P2156R.
Identifiers: ClinVar variation 1712634 (VCV001712634.2), dbSNP rs2513353635, ClinGen allele CA405428680.